The following is an entry in ClinVar:

NM_007126.5(VCP):c.2148C>T (p.Asn716=)

Gene: VCP (valosin containing protein; minus strand). Cytogenetic location: 9p13.3.
Variant type: single nucleotide variant.
Coding change: c.2148C>T on transcript NM_007126.5 (MANE Select); coding-DNA position 2148, C replaced by T.
Protein change: p.Asn716=; no amino-acid change (asparagine 716 retained).
Molecular consequence: synonymous variant.
Genome position (GRCh38, 1-based): chr9:35,059,076, G>A on the plus strand (C>T on the coding strand, the complement: VCP is on the minus strand). VCF-style: chr9-35059076-G-A. GRCh37 (hg19) VCF-style: chr9-35059073-G-A.
Other names: c.2013C>T, p.Asn671= (NM_001354927.2, NM_001354928.2).
Identifiers: ClinVar variation 3029510 (VCV003029510.2), dbSNP rs377125404, ClinGen allele CA192679473.

ClinVar aggregate classification (germline): Likely benign (0 of 4 stars; one submission).

Conditions:
VCP-related disorder. Also called: VCP-related condition; VCP-related disorders.

Allele frequency attached by ClinVar (database versions not stated): gnomAD exomes below 0.00001.
gnomAD v4.1: 1 of 1,614,034 alleles (0.000062%); no homozygotes.

Submission:

PreventionGenetics, part of Exact Sciences
Classification: Likely benign for VCP-related condition. Last evaluated: 2021-06-15. Review status: no assertion criteria provided. Collection method: clinical testing. Allele origin: germline.
Comment: This variant is classified as likely benign based on ACMG/AMP sequence variant interpretation guidelines (Richards et al. 2015 PMID: 25741868, with internal and published modifications).